The following is an entry in ClinVar:

NM_020433.5(JPH2):c.1049C>A (p.Thr350Asn)

Gene: JPH2 (junctophilin 2; minus strand). Cytogenetic location: 20q13.12.
Variant type: single nucleotide variant.
Coding change: c.1049C>A on transcript NM_020433.5 (MANE Select); coding-DNA position 1049, C replaced by A.
Protein change: p.Thr350Asn; replaces threonine 350 with asparagine.
Molecular consequence: missense variant.
Genome position (GRCh38, 1-based): chr20:44,159,738, G>T on the plus strand (C>A on the coding strand, the complement: JPH2 is on the minus strand). VCF-style: chr20-44159738-G-T. GRCh37 (hg19) VCF-style: chr20-42788378-G-T.
Other names: short protein forms T350N.
Identifiers: ClinVar variation 2586447 (VCV002586447.2), dbSNP rs770813064, ClinGen allele CA409093113.

ClinVar aggregate classification (germline): Uncertain significance (1 of 4 stars; one submission).

Conditions:
Cardiovascular phenotype. Identifiers: MedGen CN230736.

Submission:

Ambry Genetics
Classification: Uncertain significance for Cardiovascular phenotype. Last evaluated: 2023-07-30. Review status: criteria provided, single submitter. Criteria: Ambry Variant Classification Scheme 2023. Collection method: clinical testing. Allele origin: germline.
Comment: The p.T350N variant (also known as c.1049C>A), located in coding exon 2 of the JPH2 gene, results from a C to A substitution at nucleotide position 1049. The threonine at codon 350 is replaced by asparagine, an amino acid with similar properties. This amino acid position is conserved. In addition, this alteration is predicted to be tolerated by in silico analysis. Since supporting evidence is limited at this time, the clinical significance of this alteration remains unclear.